The following is an entry in ClinVar:

ClinVar aggregate classification (germline): Benign (1 of 4 stars; one submission).

Conditions:
Familial cancer of breast. Also called: Hereditary breast cancer; hereditary breast carcinoma; BREAST CANCER, FAMILIAL. Identifiers: Orphanet 227535, MedGen C0346153, MONDO:0016419, OMIM 114480. Disease mechanism: loss of function.

gnomAD v4.1: 1 of 1,613,130 alleles (0.000062%); highest among the groups gnomAD compares: Non-Finnish European, 0.000085%; no homozygotes.

Submission:

Myriad Genetics, Inc.
Classification: Benign for Familial cancer of breast. Last evaluated: 2025-01-10. Review status: criteria provided, single submitter. Criteria: Myriad Autosomal Dominant, Autosomal Recessive and X-Linked Classification Criteria (2023). Collection method: clinical testing. Allele origin: unknown.
Comment: This variant is considered benign. This variant is a silent/synonymous amino acid change and it is not expected to impact splicing.

NM_024675.4(PALB2):c.258C>G (p.Thr86=)

Gene: PALB2 (partner and localizer of BRCA2; minus strand). Cytogenetic location: 16p12.2.
Variant type: single nucleotide variant.
Coding change: c.258C>G on transcript NM_024675.4 (MANE Select); coding-DNA position 258, C replaced by G.
Protein change: p.Thr86=; no amino-acid change (threonine 86 retained).
Molecular consequence: synonymous variant. On other transcripts: 5 prime UTR variant (8), intron variant (3).
Genome position (GRCh38, 1-based): chr16:23,636,288, G>C on the plus strand (C>G on the coding strand, the complement: PALB2 is on the minus strand). VCF-style: chr16-23636288-G-C. GRCh37 (hg19) VCF-style: chr16-23647609-G-C.
Other names: c.198C>G, p.Thr66= (NM_001407296.1); c.258C>G, p.Thr86= (NM_001407297.1, NM_001407298.1, NM_001407299.1 and 3 more transcripts); c.-628C>G (NM_001407304.1, NM_001407305.1, NM_001407306.1 and 5 more transcripts); c.48+4822C>G (NM_001407314.1); c.-105+4822C>G (NM_001407313.1, NM_001407312.1).
Identifiers: ClinVar variation 3904190 (VCV003904190.1).